The following is an entry in ClinVar:

ClinVar aggregate classification (germline): Uncertain significance. Review status: criteria provided, multiple submitters, no conflicts (2 of 4 stars). 3 submissions from 3 submitters: Uncertain significance (3). Last evaluated 2025-07-01.

Conditions:
Inborn genetic diseases. Identifiers: MedGen C0950123, MeSH D030342.

gnomAD v4.1: 26 of 1,614,042 alleles (0.0016%); highest among the groups gnomAD compares: East Asian, 0.051%; no homozygotes.

Submissions (3):

GeneDx
Classification: Uncertain significance. Last evaluated: 2025-07-01. Review status: criteria provided, single submitter. Criteria: GeneDx Variant Classification Process June 2021. Collection method: clinical testing. Allele origin: germline. Affected: yes.
Comment: In silico analysis supports that this missense variant has a deleterious effect on protein structure/function; Has not been previously published as pathogenic or benign to our knowledge

Ambry Genetics
Classification: Uncertain significance for Inborn genetic diseases. Last evaluated: 2025-05-19. Review status: criteria provided, single submitter. Criteria: Ambry Variant Classification Scheme 2023. Collection method: clinical testing. Allele origin: germline.

Blueprint Genetics
Classification: Uncertain significance. Last evaluated: 2023-10-25. Review status: criteria provided, single submitter. Criteria: ACMG Guidelines, 2015. Collection method: clinical testing. Allele origin: germline.

NM_001038603.3(MARVELD2):c.530A>G (p.Glu177Gly)

Gene: MARVELD2 (MARVEL domain containing 2; plus strand). Cytogenetic location: 5q13.2.
Variant type: single nucleotide variant.
Coding change: c.530A>G on transcript NM_001038603.3 (MANE Select); coding-DNA position 530, A replaced by G.
Protein change: p.Glu177Gly; replaces glutamic acid 177 with glycine.
Molecular consequence: missense variant.
Genome position (GRCh38, 1-based): chr5:69,419,915, A>G. VCF-style: chr5-69419915-A-G. GRCh37 (hg19) VCF-style: chr5-68715742-A-G.
Other names: c.530A>G, p.Glu177Gly (NM_001244734.2); short protein forms E177G.
Identifiers: ClinVar variation 4051863 (VCV004051863.3).